The following is an entry in ClinVar:

NM_003242.6(TGFBR2):c.1254+1G>A

Gene: TGFBR2 (transforming growth factor beta receptor 2; plus strand). Cytogenetic location: 3p24.1.
Variant type: single nucleotide variant.
Coding change: c.1254+1G>A on transcript NM_003242.6 (MANE Select); the canonical splice donor site of the intron after coding-DNA position 1254, G replaced by A.
Molecular consequence: splice donor variant. On other transcripts: intron variant (1).
Genome position (GRCh38, 1-based): chr3:30,672,438, G>A. VCF-style: chr3-30672438-G-A. GRCh37 (hg19) VCF-style: chr3-30713930-G-A.
Other names: c.1257+1G>A (NM_001407129.1); c.1149+1G>A (NM_001407132.1, NM_001407136.1, NM_001407133.1 and 2 more transcripts); c.1437+1G>A (NM_001407126.1); c.1329+1G>A (NM_001024847.3); c.530-15949G>A (NM_001407139.1); c.969+1G>A (NM_001407137.1); c.1362+1G>A (NM_001407127.1); c.1254+1G>A (NM_001407130.1); and 2 more.
Identifiers: ClinVar variation 3806426 (VCV003806426.1).

ClinVar aggregate classification (germline): Uncertain significance (1 of 4 stars; one submission).

Conditions:
Familial thoracic aortic aneurysm and aortic dissection (TAAD). Also called: Thoracic aortic aneurysms and dissections. Identifiers: Orphanet 91387, MedGen C4707243, MONDO:0019625.

Submission:

Ambry Genetics
Classification: Uncertain significance for Familial thoracic aortic aneurysm and aortic dissection. Last evaluated: 2025-02-03. Review status: criteria provided, single submitter. Criteria: Ambry Variant Classification Scheme 2023. Collection method: clinical testing. Allele origin: germline.
Comment: The c.1254+1G>A intronic variant results from a G to A substitution one nucleotide after coding exon 4 of the TGFBR2 gene. This nucleotide position is highly conserved in available vertebrate species. In silico splice site analysis predicts that this alteration will weaken the native splice donor site. Alterations that disrupt the canonical splice site are expected to cause aberrant splicing, resulting in an abnormal protein or a transcript that is subject to nonsense-mediated mRNA decay. However, loss of function of TGFBR2 has not been established as a mechanism of disease. Based on the available evidence, the clinical significance of this alteration remains unclear.